The following is an entry in ClinVar:

NM_001447.3(FAT2):c.11369C>T (p.Ala3790Val)

Genes: FAT2 (FAT atypical cadherin 2; minus strand), SLC36A1 (solute carrier family 36 member 1; plus strand). Cytogenetic location: 5q33.1.
Variant type: single nucleotide variant.
Coding change: c.11369C>T on transcript NM_001447.3 (MANE Select); coding-DNA position 11369, C replaced by T.
Protein change: p.Ala3790Val; replaces alanine 3790 with valine.
Molecular consequence: missense variant.
Genome position (GRCh38, 1-based): chr5:151,517,714, G>A on the plus strand (C>T on the coding strand, the complement: FAT2 is on the minus strand). VCF-style: chr5-151517714-G-A. GRCh37 (hg19) VCF-style: chr5-150897275-G-A.
Other names: short protein forms A3790V.
Identifiers: ClinVar variation 1989764 (VCV001989764.14), dbSNP rs754868926, ClinGen allele CA129926120.

ClinVar aggregate classification (germline): Uncertain significance. Review status: criteria provided, multiple submitters, no conflicts (2 of 4 stars). 2 submissions from 2 submitters: Uncertain significance (2). Last evaluated 2025-05-01.

Allele frequency attached by ClinVar (database versions not stated): gnomAD 0.00001; TOPMed 0.00002.
gnomAD v4.1: 25 of 1,614,060 alleles (0.0015%); highest among the groups gnomAD compares: Admixed American, 0.005%; no homozygotes.

Submissions (2):

CeGaT Center for Human Genetics Tuebingen
Classification: Uncertain significance. Last evaluated: 2025-05-01. Review status: criteria provided, single submitter. Criteria: CeGaT Center For Human Genetics Tuebingen Variant Classification Criteria Version 2. Collection method: clinical testing. Allele origin: germline. Affected: yes. Observed: 1 variant allele.
Comment: FAT2: PP2, BP4

Labcorp Genetics (formerly Invitae), Labcorp
Classification: Uncertain significance. Last evaluated: 2022-10-18. Review status: criteria provided, single submitter. Criteria: Invitae Variant Classification Sherloc (09022015). Collection method: clinical testing. Allele origin: germline.
Comment: In summary, the available evidence is currently insufficient to determine the role of this variant in disease. Therefore, it has been classified as a Variant of Uncertain Significance. This sequence change replaces alanine, which is neutral and non-polar, with valine, which is neutral and non-polar, at codon 3790 of the FAT2 protein (p.Ala3790Val). This variant is present in population databases (no rsID available, gnomAD 0.009%). This variant has not been reported in the literature in individuals affected with FAT2-related conditions. Algorithms developed to predict the effect of missense changes on protein structure and function (SIFT, PolyPhen-2, Align-GVGD) all suggest that this variant is likely to be tolerated.